The following is an entry in ClinVar:

ClinVar aggregate classification (germline): Benign. Review status: criteria provided, multiple submitters, no conflicts (2 of 4 stars). 2 submissions from 2 submitters: Benign (2). Last evaluated 2018-01-12.

Conditions:
Retinitis pigmentosa (RP). Identifiers: Orphanet 791, MedGen C0035334, MeSH D012174, MONDO:0019200, OMIM 268000. Inheritance: Autosomal dominant, autosomal recessive and X linked inheritance.

Allele frequency attached by ClinVar (database versions not stated): gnomAD exomes 0.78907; TOPMed 0.82326; gnomAD 0.82335 and 0.82759; 1000 Genomes Project 0.83806; 1000 Genomes Project 30x 0.83885.
gnomAD v4.1: 155,231 of 190,078 alleles (82%); highest among the groups gnomAD compares: African/African-American, 90%; 63,644 homozygotes.

Submissions (2):

Illumina Laboratory Services, Illumina
Classification: Benign for Retinitis pigmentosa. Last evaluated: 2018-01-12. Review status: criteria provided, single submitter. Criteria: ICSL Variant Classification Criteria 13 December 2019. Collection method: clinical testing. Allele origin: germline.
Comment: This variant was observed in the ICSL laboratory as part of a predisposition screen in an ostensibly healthy population. It had not been previously curated by ICSL or reported in the Human Gene Mutation Database (HGMD: prior to June 1st, 2018), and was therefore a candidate for classification through an automated scoring system. Utilizing variant allele frequency, disease prevalence and penetrance estimates, and inheritance mode, an automated score was calculated to assess if this variant is too frequent to cause the disease. Based on the score and internal cut-off values, a variant classified as benign is not then subjected to further curation. The score for this variant resulted in a classification of benign for this disease.

Breakthrough Genomics
Classification: Benign. Review status: criteria provided, single submitter. Criteria: ACMG Guidelines, 2015. Collection method: not provided. Allele origin: germline. Inheritance: Autosomal recessive inheritance. Affected: yes.

NM_016247.4(IMPG2):c.*380C>A

Gene: IMPG2 (interphotoreceptor matrix proteoglycan 2; minus strand). Cytogenetic location: 3q12.3.
Variant type: single nucleotide variant.
Coding change: c.*380C>A on transcript NM_016247.4 (MANE Select); 380 bases downstream of the stop codon, C replaced by A.
Molecular consequence: 3 prime UTR variant.
Genome position (GRCh38, 1-based): chr3:101,226,589, G>T on the plus strand (C>A on the coding strand, the complement: IMPG2 is on the minus strand). VCF-style: chr3-101226589-G-T. GRCh37 (hg19) VCF-style: chr3-100945433-G-T.
Identifiers: ClinVar variation 342324 (VCV000342324.6), dbSNP rs488679, ClinGen allele CA10614355.